The following is an entry in ClinVar:

ClinVar aggregate classification (germline): Benign (0 of 4 stars; one submission).

Conditions:
ZFHX3-related disorder. Also called: ZFHX3-related condition.

Allele frequency attached by ClinVar (database versions not stated): TOPMed 0.00031; ESP Exome Variant Server 0.00046; 1000 Genomes Project 30x 0.00047; 1000 Genomes Project 0.00060; ExAC 0.00105.
gnomAD v4.1: 1,105 of 1,614,068 alleles (0.068%); highest among the groups gnomAD compares: Non-Finnish European, 0.04%; 3 homozygotes.

Submission:

PreventionGenetics, part of Exact Sciences
Classification: Benign for ZFHX3-related condition. Last evaluated: 2019-06-21. Review status: no assertion criteria provided. Collection method: clinical testing. Allele origin: germline.
Comment: This variant is classified as benign based on ACMG/AMP sequence variant interpretation guidelines (Richards et al. 2015 PMID: 25741868, with internal and published modifications).

NM_006885.4(ZFHX3):c.1563G>T (p.Lys521Asn)

Gene: ZFHX3 (zinc finger homeobox 3; minus strand). Cytogenetic location: 16q22.3.
Variant type: single nucleotide variant.
Coding change: c.1563G>T on transcript NM_006885.4 (MANE Select); coding-DNA position 1563, G replaced by T.
Protein change: p.Lys521Asn; replaces lysine 521 with asparagine.
Molecular consequence: missense variant. On other transcripts: intron variant (1).
Genome position (GRCh38, 1-based): chr16:72,958,583, C>A on the plus strand (G>T on the coding strand, the complement: ZFHX3 is on the minus strand). VCF-style: chr16-72958583-C-A. GRCh37 (hg19) VCF-style: chr16-72992482-C-A.
Other names: c.1563G>T, p.Lys521Asn (NM_001386735.1); c.-23-7618G>T (NM_001164766.2); short protein forms K521N.
Identifiers: ClinVar variation 3042414 (VCV003042414.2), dbSNP rs62640007, ClinGen allele CA8164687.